The following is an entry in ClinVar:

NM_005739.4(RASGRP1):c.2134C>A (p.Pro712Thr)

Gene: RASGRP1 (RAS guanyl releasing protein 1; minus strand). Cytogenetic location: 15q14.
Variant type: single nucleotide variant.
Coding change: c.2134C>A on transcript NM_005739.4 (MANE Select); coding-DNA position 2134, C replaced by A.
Protein change: p.Pro712Thr; replaces proline 712 with threonine.
Molecular consequence: missense variant. On other transcripts: intron variant (1).
Genome position (GRCh38, 1-based): chr15:38,494,507, G>T on the plus strand (C>A on the coding strand, the complement: RASGRP1 is on the minus strand). VCF-style: chr15-38494507-G-T. GRCh37 (hg19) VCF-style: chr15-38786708-G-T.
Other names: c.2029C>A, p.Pro677Thr (NM_001128602.2); c.1769-3819C>A (NM_001306086.2); short protein forms P677T, P712T.
Identifiers: ClinVar variation 1717547 (VCV001717547.5), dbSNP rs2542847381, ClinGen allele CA391661969.

ClinVar aggregate classification (germline): Uncertain significance (1 of 4 stars; one submission).

Submission:

Labcorp Genetics (formerly Invitae), Labcorp
Classification: Uncertain significance. Last evaluated: 2022-08-22. Review status: criteria provided, single submitter. Criteria: Invitae Variant Classification Sherloc (09022015). Collection method: clinical testing. Allele origin: germline.
Comment: In summary, the available evidence is currently insufficient to determine the role of this variant in disease. Therefore, it has been classified as a Variant of Uncertain Significance. Algorithms developed to predict the effect of missense changes on protein structure and function (SIFT, PolyPhen-2, Align-GVGD) all suggest that this variant is likely to be tolerated. This variant has not been reported in the literature in individuals affected with RASGRP1-related conditions. This variant is not present in population databases (gnomAD no frequency). This sequence change replaces proline, which is neutral and non-polar, with threonine, which is neutral and polar, at codon 712 of the RASGRP1 protein (p.Pro712Thr).